The following is an entry in ClinVar:

ClinVar aggregate classification (germline): Pathogenic (1 of 4 stars; one submission).

Conditions:
Hereditary nonpolyposis colorectal neoplasms. Identifiers: MedGen C0009405, MeSH D003123.

Submission:

Labcorp Genetics (formerly Invitae), Labcorp
Classification: Pathogenic for Hereditary nonpolyposis colorectal neoplasms. Last evaluated: 2023-08-02. Review status: criteria provided, single submitter. Criteria: Invitae Variant Classification Sherloc (09022015). Collection method: clinical testing. Allele origin: germline.
Comment: For these reasons, this variant has been classified as Pathogenic. This variant has not been reported in the literature in individuals affected with PMS2-related conditions. This variant is a gross deletion of the genomic region encompassing exon(s) 1-8 of the PMS2 gene, which includes the initiator codon. This deletion extends beyond the assayed region for this gene and therefore may encompass additional genes. It is expected to result in an absent or disrupted protein product. Loss-of-function variants in PMS2 are known to be pathogenic (PMID: 21376568, 24362816).

Literature cited by the submitters: PubMed 21376568; PubMed 24362816.

NC_000007.13:g.(?_6035155)_(6049099_?)del

Genes: AIMP2 (aminoacyl tRNA synthetase complex interacting multifunctional protein 2; plus strand), PMS2 (PMS1 homolog 2, mismatch repair system component; minus strand). Cytogenetic location: 7p22.1.
Variant type: Deletion.
Identifiers: ClinVar variation 1459232 (VCV001459232.4).